The following is an entry in ClinVar:

NM_001170629.2(CHD8):c.6532T>G (p.Ser2178Ala)

Gene: CHD8 (chromodomain helicase DNA binding protein 8; minus strand). Cytogenetic location: 14q11.2.
Variant type: single nucleotide variant.
Coding change: c.6532T>G on transcript NM_001170629.2 (MANE Select); coding-DNA position 6532, T replaced by G.
Protein change: p.Ser2178Ala; replaces serine 2178 with alanine.
Molecular consequence: missense variant.
Genome position (GRCh38, 1-based): chr14:21,392,746, A>C on the plus strand (T>G on the coding strand, the complement: CHD8 is on the minus strand). VCF-style: chr14-21392746-A-C. GRCh37 (hg19) VCF-style: chr14-21860905-A-C.
Other names: c.5695T>G, p.Ser1899Ala (NM_020920.4); short protein forms S1899A, S2178A.
Identifiers: ClinVar variation 4885842 (VCV004885842.2).

ClinVar aggregate classification (germline): Uncertain significance (1 of 4 stars; one submission).

Submission:

Dasa
Classification: Uncertain significance. Last evaluated: 2024-12-31. Review status: criteria provided, single submitter. Criteria: DASA Assertion Criteria. Collection method: clinical testing. Allele origin: germline.
Comment: NM_001170629.2(CHD8):c.6532T>G (p.Ser2178Ala) is a missense variant that results in the substitution of serine with alanine. This variant is absent from population databases. Computational prediction algorithms are consistent with a benign effect. The currently available literature and clinical evidence are not sufficient to establish a definitive association between this variant and the reported condition. Therefore, this variant is classified as a variant of uncertain significance.